The following is an entry in ClinVar:

ClinVar aggregate classification (germline): Likely benign. Review status: criteria provided, multiple submitters, no conflicts (2 of 4 stars). 2 submissions from 2 submitters: Likely benign (2). Last evaluated 2024-11-27.

Allele frequency attached by ClinVar (database versions not stated): gnomAD 0.00017; ExAC 0.00259.

Submissions (2):

Blueprint Genetics
Classification: Likely benign. Last evaluated: 2024-11-27. Review status: criteria provided, single submitter. Criteria: ACMG Guidelines, 2015. Collection method: clinical testing. Allele origin: germline.

CeGaT Center for Human Genetics Tuebingen
Classification: Likely benign. Last evaluated: 2022-11-01. Review status: criteria provided, single submitter. Criteria: CeGaT Center For Human Genetics Tuebingen Variant Classification Criteria Version 2. Collection method: clinical testing. Allele origin: germline. Affected: yes. Observed: 1 variant allele.
Comment: HLA-B: BP4, BP7

NM_005514.8(HLA-B):c.648C>T (p.His216=)

Gene: HLA-B (major histocompatibility complex, class I, B; minus strand). Cytogenetic location: 6p21.33.
Variant type: single nucleotide variant.
Coding change: c.648C>T on transcript NM_005514.8 (MANE Select); coding-DNA position 648, C replaced by T.
Protein change: p.His216=; no amino-acid change (histidine 216 retained).
Molecular consequence: synonymous variant.
Genome position (GRCh38, 1-based): chr6:31,355,564, G>A on the plus strand (C>T on the coding strand, the complement: HLA-B is on the minus strand). VCF-style: chr6-31355564-G-A. GRCh37 (hg19) VCF-style: chr6-31323341-G-A.
Identifiers: ClinVar variation 2656392 (VCV002656392.25), dbSNP rs281864639, ClinGen allele CA3711384.